The following is an entry in ClinVar:

ClinVar aggregate classification (germline): Uncertain significance (1 of 4 stars; one submission).

Conditions:
Ehlers-Danlos syndrome, classic type, 1 (EDSCL1). Also called: EHLERS-DANLOS SYNDROME, GRAVIS TYPE; EHLERS-DANLOS SYNDROME, SEVERE CLASSIC TYPE; Ehlers-Danlos syndrome, type 1; Ehlers-Danlos Syndrome, Classic Type, COL5A1-Related; EDS I. Identifiers: MedGen C0268335, MONDO:0019567, OMIM 130000.

Submission:

Labcorp Genetics (formerly Invitae), Labcorp
Classification: Uncertain significance for Ehlers-Danlos syndrome, classic type, 1. Last evaluated: 2025-04-28. Review status: criteria provided, single submitter. Criteria: Invitae Variant Classification Sherloc (09022015). Collection method: clinical testing. Allele origin: germline.
Comment: This sequence change replaces glutamic acid, which is acidic and polar, with glycine, which is neutral and non-polar, at codon 277 of the COL5A2 protein (p.Glu277Gly). This variant is not present in population databases (gnomAD no frequency). This variant has not been reported in the literature in individuals affected with COL5A2-related conditions. ClinVar contains an entry for this variant (Variation ID: 3704207). Invitae Evidence Modeling of protein sequence and biophysical properties (such as structural, functional, and spatial information, amino acid conservation, physicochemical variation, residue mobility, and thermodynamic stability) indicates that this missense variant is not expected to disrupt COL5A2 protein function with a negative predictive value of 80%. In summary, the available evidence is currently insufficient to determine the role of this variant in disease. Therefore, it has been classified as a Variant of Uncertain Significance.

NM_000393.5(COL5A2):c.830A>G (p.Glu277Gly)

Gene: COL5A2 (collagen type V alpha 2 chain; minus strand). Cytogenetic location: 2q32.2.
Variant type: single nucleotide variant.
Coding change: c.830A>G on transcript NM_000393.5 (MANE Select); coding-DNA position 830, A replaced by G.
Protein change: p.Glu277Gly; replaces glutamic acid 277 with glycine.
Molecular consequence: missense variant.
Genome position (GRCh38, 1-based): chr2:189,084,006, T>C on the plus strand (A>G on the coding strand, the complement: COL5A2 is on the minus strand). VCF-style: chr2-189084006-T-C. GRCh37 (hg19) VCF-style: chr2-189948732-T-C.
Other names: short protein forms E277G.
Identifiers: ClinVar variation 3704207 (VCV003704207.2).